The following is an entry in ClinVar:

NM_001081.4(CUBN):c.1530+12A>C

Gene: CUBN (cubilin; minus strand). Cytogenetic location: 10p13.
Variant type: single nucleotide variant.
Coding change: c.1530+12A>C on transcript NM_001081.4 (MANE Select); 12 bases into the intron after coding-DNA position 1530, A replaced by C.
Molecular consequence: intron variant.
Genome position (GRCh38, 1-based): chr10:17,103,113, T>G on the plus strand (A>C on the coding strand, the complement: CUBN is on the minus strand). VCF-style: chr10-17103113-T-G. GRCh37 (hg19) VCF-style: chr10-17145112-T-G.
Other names: p.?.
Identifiers: ClinVar variation 299525 (VCV000299525.14), dbSNP rs138936163, ClinGen allele CA5425262.

ClinVar aggregate classification (germline): Benign/Likely benign. Review status: criteria provided, multiple submitters, no conflicts (2 of 4 stars). 4 submissions from 4 submitters: Benign (1); Likely benign (3). Last evaluated 2026-01-05.

Conditions:
Imerslund-Grasbeck syndrome type 1 (IGS1). Also called: Megaloblastic anemia 1, Finnish type; MEGALOBLASTIC ANEMIA, 1; Imerslund-Gräsbeck syndrome 1. Identifiers: MedGen C4016819, MONDO:0100156, OMIM 261100.
Imerslund-Grasbeck syndrome. Also called: ENTEROCYTE COBALAMIN MALABSORPTION; ENTEROCYTE INTRINSIC FACTOR RECEPTOR, DEFECT OF; Imerslund-Gräsbeck syndrome; PERNICIOUS ANEMIA, JUVENILE, DUE TO SELECTIVE INTESTINAL MALABSORPTION OF VITAMIN B12, WITH PROTEINURIA; Megaloblastic anemia due to inborn errors of metabolism. Identifiers: Orphanet 35858, MedGen C4551825, MONDO:0009853.

Allele frequency attached by ClinVar (database versions not stated): gnomAD exomes 0.00019 and 0.00051; ExAC 0.00064; 1000 Genomes Project 0.00120; 1000 Genomes Project 30x 0.00125; ESP Exome Variant Server 0.00169; gnomAD 0.00196 and 0.00212; TOPMed 0.00232.
gnomAD v4.1: 557 of 1,474,194 alleles (0.038%); highest among the groups gnomAD compares: African/African-American, 0.68%; no homozygotes.

Submissions (4):

Labcorp Genetics (formerly Invitae), Labcorp
Classification: Benign for Imerslund-Grasbeck syndrome. Last evaluated: 2026-01-05. Review status: criteria provided, single submitter. Criteria: Invitae Variant Classification Sherloc (09022015). Collection method: clinical testing. Allele origin: germline.

Mayo Clinic Laboratories, Mayo Clinic
Classification: Likely benign. Last evaluated: 2024-12-31. Review status: criteria provided, single submitter. Criteria: ACMG Guidelines, 2015. Collection method: clinical testing. Allele origin: germline. Observed: 1 variant allele.
Comment: BS1, BP4, BP7

Blueprint Genetics
Classification: Likely benign. Last evaluated: 2024-10-16. Review status: criteria provided, single submitter. Criteria: ACMG Guidelines, 2015. Collection method: clinical testing. Allele origin: germline.

Illumina Laboratory Services, Illumina
Classification: Likely benign for Imerslund-Grasbeck syndrome type 1. Last evaluated: 2018-01-13. Review status: criteria provided, single submitter. Criteria: ICSL Variant Classification Criteria 13 December 2019. Collection method: clinical testing. Allele origin: germline.
Comment: This variant was observed in the ICSL laboratory as part of a predisposition screen in an ostensibly healthy population. It had not been previously curated by ICSL or reported in the Human Gene Mutation Database (HGMD: prior to June 1st, 2018), and was therefore a candidate for classification through an automated scoring system. Utilizing variant allele frequency, disease prevalence and penetrance estimates, and inheritance mode, an automated score was calculated to assess if this variant is too frequent to cause the disease. Based on the score and internal cut-off values, a variant classified as likely benign is not then subjected to further curation. The score for this variant resulted in a classification of likely benign for this disease.